The following is an entry in ClinVar:

NM_001323289.2(CDKL5):c.659T>C (p.Leu220Pro)

Gene: CDKL5 (cyclin dependent kinase like 5; plus strand). Cytogenetic location: Xp22.13.
Variant type: single nucleotide variant.
Coding change: c.659T>C on transcript NM_001323289.2 (MANE Select); coding-DNA position 659, T replaced by C.
Protein change: p.Leu220Pro; replaces leucine 220 with proline.
Molecular consequence: missense variant.
Genome position (GRCh38, 1-based): chrX:18,588,058, T>C. VCF-style: chrX-18588058-T-C. GRCh37 (hg19) VCF-style: chrX-18606178-T-C.
Other names: NM_001323289.2(CDKL5):c.659T>C; c.659T>C, p.Leu220Pro (NM_001037343.2, NM_003159.3); short protein forms L220P.
Identifiers: ClinVar variation 143830 (VCV000143830.12), dbSNP rs267608511, ClinGen allele CA170500.
Genomic context (GRCh38, chrX:18,588,058, plus strand): 5'-TTCTTGGGGAGCTTAGCGATGGACAGCCTTTATTTCCTGGAGAAAGTGAAATTGACCAAC[T>C]TTTTACTATTCAGAAGGTGCTAGGACCACTTCCATCTGAGCAGATGAAGCTTTTCTACAG-3'
Protein context (NP_001310218.1, residues 210-230): LFPGESEIDQ[Leu220Pro]FTIQKVLGPL

ClinVar aggregate classification (germline): Pathogenic/Likely pathogenic. Review status: criteria provided, multiple submitters, no conflicts (2 of 4 stars). 3 submissions from 3 submitters: Pathogenic (1); Likely pathogenic (1). 1 of the submissions does not count toward it. Last evaluated 2024-09-06.

Conditions:
CDKL5 disorder. Identifiers: MedGen CN296942, MONDO:0100039.
Developmental and epileptic encephalopathy, 2 (DEE2). Also called: INFANTILE SPASM SYNDROME, X-LINKED 2; CDKL5 deficiency disorder. Identifiers: Orphanet 1934, Orphanet 3451, Orphanet 505652, MedGen C4750718, MONDO:0010396, OMIM 300672.
Angelman syndrome-like. Identifiers: MedGen CN128785.

Submissions (3):

Centre for Population Genomics, CPG
Classification: Likely pathogenic for CDKL5 disorder. Last evaluated: 2024-09-06. Review status: criteria provided, single submitter. Criteria: McKnight et al. (Hum Mutat. 2022). Collection method: curation. Allele origin: germline. Inheritance: X-linked inheritance.
Comment: This variant has been collected from RettBASE and curated to current modified ACMG/AMP criteria. Based on the classification scheme defined by the ClinGen Rett/Angelman-like Expert Panel for Rett/AS-like Disorders Specifications to the ACMG/AMP Variant Interpretation Guidelines VCEP 3.0, this variant is classified as likely pathogenic. At least the following criteria are met: This variant is absent from gnomAD (PM2_Supporting). This variant has been identified as a de novo occurrence in an individual with CDKL5 disorder without confirmation of paternity and maternity (PM6, PMID: 17993579). Computational prediction analysis tools suggests a deleterious impact (REVEL score>= 0.75) (PP3). Well-established in vitro or in vivo functional studies supportive of a damaging effect on the protein function (PS3_supporting, PMID: 17993579).

Labcorp Genetics (formerly Invitae), Labcorp
Classification: Pathogenic for Developmental and epileptic encephalopathy, 2; Angelman syndrome-like. Last evaluated: 2022-08-09. Review status: criteria provided, single submitter. Criteria: Invitae Variant Classification Sherloc (09022015). Collection method: clinical testing. Allele origin: germline.
Comment: For these reasons, this variant has been classified as Pathogenic. Experimental studies have shown that this missense change affects CDKL5 function (PMID: 17993579, 22922712, 29420175). Advanced modeling of protein sequence and biophysical properties (such as structural, functional, and spatial information, amino acid conservation, physicochemical variation, residue mobility, and thermodynamic stability) performed at Invitae indicates that this missense variant is expected to disrupt CDKL5 protein function. ClinVar contains an entry for this variant (Variation ID: 143830). This missense change has been observed in individual(s) with Rett syndrome (PMID: 17993579, 22670135; Invitae). In at least one individual the variant was observed to be de novo. This variant is not present in population databases (gnomAD no frequency). This sequence change replaces leucine, which is neutral and non-polar, with proline, which is neutral and non-polar, at codon 220 of the CDKL5 protein (p.Leu220Pro).

RettBASE
Classification: Pathogenic for Epileptic encephalopathy, early infantile, 2. Last evaluated: 2014-03-13. Review status: no assertion criteria provided. Collection method: curation. Allele origin: de novo. Affected: yes. Observed: 1 variant allele. Not counted in ClinVar's aggregate classification.
Comment: In vitro study shows mislocalisation of CDKL5 in the cytoplasm; In silico prediction: SIFT = deleterious, MutationTaster = disease-causing, PolyPhen2 = probably damaging, AlignGVGD = pathogenic (C65)

Literature cited by the submitters: PubMed 17993579 (cited by 3 submitters); PubMed 22922712 (cited by Labcorp Genetics (formerly Invitae), Labcorp); PubMed 29420175 (cited by Labcorp Genetics (formerly Invitae), Labcorp); PubMed 22670135 (cited by Labcorp Genetics (formerly Invitae), Labcorp).